The following is an entry in ClinVar:

NM_001281740.3(FHOD3):c.1576T>C (p.Phe526Leu)

Gene: FHOD3 (formin homology 2 domain containing 3; plus strand). Cytogenetic location: 18q12.2.
Variant type: single nucleotide variant.
Coding change: c.1576T>C on transcript NM_001281740.3 (MANE Select); coding-DNA position 1576, T replaced by C.
Protein change: p.Phe526Leu; replaces phenylalanine 526 with leucine.
Molecular consequence: missense variant. On other transcripts: intron variant (2).
Genome position (GRCh38, 1-based): chr18:36,652,859, T>C. VCF-style: chr18-36652859-T-C. GRCh37 (hg19) VCF-style: chr18-34232822-T-C.
Other names: c.1197-5216T>C (NM_025135.5, NM_001281739.3); short protein forms F526L.
Identifiers: ClinVar variation 4883497 (VCV004883497.2).

ClinVar aggregate classification (germline): Uncertain significance (1 of 4 stars; one submission).

Submission:

Dasa
Classification: Uncertain significance. Last evaluated: 2026-02-20. Review status: criteria provided, single submitter. Criteria: DASA Assertion Criteria. Collection method: clinical testing. Allele origin: germline.
Comment: NM_001281740.3(FHOD3):c.1576T>C (p.Phe526Leu) is a missense variant that results in the substitution of phenylalanine with leucine. This variant is rare in population databases. The currently available literature and clinical evidence are not sufficient to establish a definitive association between this variant and the reported condition. Therefore, this variant is classified as a variant of uncertain significance.